The following is an entry in ClinVar:

NM_006904.7(PRKDC):c.2857C>A (p.Gln953Lys)

Gene: PRKDC (protein kinase, DNA-activated, catalytic subunit; minus strand). Cytogenetic location: 8q11.21.
Variant type: single nucleotide variant.
Coding change: c.2857C>A on transcript NM_006904.7 (MANE Select); coding-DNA position 2857, C replaced by A.
Protein change: p.Gln953Lys; replaces glutamine 953 with lysine.
Molecular consequence: missense variant.
Genome position (GRCh38, 1-based): chr8:47,912,487, G>T on the plus strand (C>A on the coding strand, the complement: PRKDC is on the minus strand). VCF-style: chr8-47912487-G-T. GRCh37 (hg19) VCF-style: chr8-48825047-G-T.
Other names: c.2857C>A, p.Gln953Lys (NM_001081640.2); short protein forms Q953K.
Identifiers: ClinVar variation 1796895 (VCV001796895.2), dbSNP rs1260281440, ClinGen allele CA371158817.

ClinVar aggregate classification (germline): Uncertain significance (1 of 4 stars; one submission).

Allele frequency attached by ClinVar (database versions not stated): gnomAD exomes below 0.00001; TOPMed below 0.00001.
gnomAD v4.1: 2 of 1,612,576 alleles (0.00012%); highest among the groups gnomAD compares: Non-Finnish European, 0.00017%; no homozygotes.

Submission:

Ambry Genetics
Classification: Uncertain significance. Last evaluated: 2021-06-11. Review status: criteria provided, single submitter. Criteria: Ambry Variant Classification Scheme 2023. Collection method: clinical testing. Allele origin: germline.
Comment: The p.Q953K variant (also known as c.2857C>A), located in coding exon 25 of the PRKDC gene, results from a C to A substitution at nucleotide position 2857. The glutamine at codon 953 is replaced by lysine, an amino acid with similar properties. This amino acid position is conserved. In addition, this alteration is predicted to be tolerated by in silico analysis. Since supporting evidence is limited at this time, the clinical significance of this alteration remains unclear.